The following is an entry in ClinVar:

NM_033026.6(PCLO):c.14065G>A (p.Val4689Ile)

Gene: PCLO (piccolo presynaptic cytomatrix protein; minus strand). Cytogenetic location: 7q21.11.
Variant type: single nucleotide variant.
Coding change: c.14065G>A on transcript NM_033026.6 (MANE Select); coding-DNA position 14065, G replaced by A.
Protein change: p.Val4689Ile; replaces valine 4689 with isoleucine.
Molecular consequence: missense variant.
Genome position (GRCh38, 1-based): chr7:82,841,491, C>T on the plus strand (G>A on the coding strand, the complement: PCLO is on the minus strand). VCF-style: chr7-82841491-C-T. GRCh37 (hg19) VCF-style: chr7-82470807-C-T.
Other names: c.14065G>A, p.Val4689Ile (NM_014510.3); short protein forms V4689I.
Identifiers: ClinVar variation 3719028 (VCV003719028.2).

ClinVar aggregate classification (germline): Uncertain significance (1 of 4 stars; one submission).

gnomAD v4.1: 1 of 1,594,794 alleles (0.000063%); highest among the groups gnomAD compares: Admixed American, 0.0017%; no homozygotes.

Submission:

Labcorp Genetics (formerly Invitae), Labcorp
Classification: Uncertain significance. Last evaluated: 2024-11-16. Review status: criteria provided, single submitter. Criteria: Invitae Variant Classification Sherloc (09022015). Collection method: clinical testing. Allele origin: germline.
Comment: This sequence change replaces valine, which is neutral and non-polar, with isoleucine, which is neutral and non-polar, at codon 4689 of the PCLO protein (p.Val4689Ile). This variant is not present in population databases (gnomAD no frequency). This variant has not been reported in the literature in individuals affected with PCLO-related conditions. An algorithm developed to predict the effect of missense changes on protein structure and function outputs the following: PolyPhen-2: "Not Available". The isoleucine amino acid residue is found in multiple mammalian species, which suggests that this missense change does not adversely affect protein function. In summary, the available evidence is currently insufficient to determine the role of this variant in disease. Therefore, it has been classified as a Variant of Uncertain Significance.